The following is an entry in ClinVar:

ClinVar aggregate classification (germline): Likely pathogenic (1 of 4 stars; one submission).

Conditions:
Primary ciliary dyskinesia. Also called: Ciliary dyskinesia. Identifiers: Orphanet 244, MedGen C0008780, MONDO:0016575, HP:0012265.

Submission:

Natera, Inc.
Classification: Likely pathogenic for Primary ciliary dyskinesia. Last evaluated: 2025-01-21. Review status: criteria provided, single submitter. Criteria: Natera Variant Classification Schema (03/2026). Collection method: clinical testing. Allele origin: germline.
Comment: The c.5927_5928delinsT variant in DNAH5 is a frameshift variant predicted to shift the reading frame beginning at codon 1976 and leads to a stop codon 78 codons downstream. This variant is expected to result in nonsense mediated decay, truncation, or a dysfunctional protein product. This variant is rare in the general population with a frequency below the threshold expected for the associated phenotype(s). Given the available evidence, this variant is classified as Likely Pathogenic.

NM_001369.3(DNAH5):c.5927_5928delinsT (p.Gly1976fs)

Gene: DNAH5 (dynein axonemal heavy chain 5; minus strand). Cytogenetic location: 5p15.2.
Variant type: Indel.
Coding change: c.5927_5928delinsT on transcript NM_001369.3 (MANE Select); coding-DNA positions 5927 to 5928, GA replaced by T.
Protein change: p.Gly1976fs; shifts the reading frame from glycine 1976.
Molecular consequence: frameshift variant.
Genome position (GRCh38, 1-based): chr5:13,830,730-13,830,731, TC replaced by A on the plus strand (GA replaced by T on the coding strand, the reverse complement: DNAH5 is on the minus strand). VCF-style: chr5-13830730-TC-A. GRCh37 (hg19) VCF-style: chr5-13830839-TC-A.
Other names: short protein forms G1976fs.
Identifiers: ClinVar variation 4814903 (VCV004814903.1).